The following is an entry in ClinVar:

NM_015136.3(STAB1):c.6819G>A (p.Ala2273=)

Gene: STAB1 (stabilin 1; plus strand). Cytogenetic location: 3p21.1.
Variant type: single nucleotide variant.
Coding change: c.6819G>A on transcript NM_015136.3 (MANE Select); coding-DNA position 6819, G replaced by A.
Protein change: p.Ala2273=; no amino-acid change (alanine 2273 retained).
Molecular consequence: synonymous variant.
Genome position (GRCh38, 1-based): chr3:52,522,849, G>A. VCF-style: chr3-52522849-G-A. GRCh37 (hg19) VCF-style: chr3-52556865-G-A.
Identifiers: ClinVar variation 5038522 (VCV005038522.1).

ClinVar aggregate classification (germline): Uncertain significance (1 of 4 stars; one submission).

gnomAD v4.1: 1,027 of 1,613,312 alleles (0.064%); highest among the groups gnomAD compares: Middle Eastern, 0.31%; no homozygotes.

Submission:

CeGaT Center for Human Genetics Tuebingen
Classification: Uncertain significance. Last evaluated: 2026-07-01. Review status: criteria provided, single submitter. Criteria: CeGaT Center For Human Genetics Tuebingen Variant Classification Criteria Version 2. Collection method: clinical testing. Allele origin: germline. Affected: yes. Observed: 1 variant allele.
Comment: STAB1: PM2, PP3